The following is an entry in ClinVar:

ClinVar aggregate classification (germline): Uncertain significance (1 of 4 stars; one submission).

Allele frequency attached by ClinVar (database versions not stated): gnomAD exomes below 0.00001.
gnomAD v4.1: 1 of 1,563,712 alleles (0.000064%); highest among the groups gnomAD compares: Non-Finnish European, 0.000087%; no homozygotes.

Submission:

Labcorp Genetics (formerly Invitae), Labcorp
Classification: Uncertain significance. Last evaluated: 2022-06-14. Review status: criteria provided, single submitter. Criteria: Invitae Variant Classification Sherloc (09022015). Collection method: clinical testing. Allele origin: germline.
Comment: This sequence change replaces glutamine, which is neutral and polar, with leucine, which is neutral and non-polar, at codon 579 of the CDH23 protein (p.Gln579Leu). This variant is not present in population databases (gnomAD no frequency). This variant has not been reported in the literature in individuals affected with CDH23-related conditions. Algorithms developed to predict the effect of missense changes on protein structure and function are either unavailable or do not agree on the potential impact of this missense change (SIFT: "Deleterious"; PolyPhen-2: "Not Available"; Align-GVGD: "Class C15"). In summary, the available evidence is currently insufficient to determine the role of this variant in disease. Therefore, it has been classified as a Variant of Uncertain Significance.

NM_022124.6(CDH23):c.1736A>T (p.Gln579Leu)

Gene: CDH23 (cadherin related 23; plus strand). Cytogenetic location: 10q22.1.
Variant type: single nucleotide variant.
Coding change: c.1736A>T on transcript NM_022124.6 (MANE Select); coding-DNA position 1736, A replaced by T.
Protein change: p.Gln579Leu; replaces glutamine 579 with leucine.
Molecular consequence: missense variant.
Genome position (GRCh38, 1-based): chr10:71,677,677, A>T. VCF-style: chr10-71677677-A-T. GRCh37 (hg19) VCF-style: chr10-73437434-A-T.
Other names: c.1736A>T, p.Gln579Leu (NM_001171930.2, NM_001171931.2); short protein forms Q579L.
Identifiers: ClinVar variation 1936342 (VCV001936342.2), dbSNP rs1864432305, ClinGen allele CA377130724.